The following is an entry in ClinVar:

NM_001267550.2(TTN):c.8742G>T (p.Trp2914Cys)

Gene: TTN (titin; minus strand). Cytogenetic location: 2q31.2.
Variant type: single nucleotide variant.
Coding change: c.8742G>T on transcript NM_001267550.2 (MANE Select); coding-DNA position 8742, G replaced by T.
Protein change: p.Trp2914Cys; replaces tryptophan 2914 with cysteine.
Molecular consequence: missense variant.
Genome position (GRCh38, 1-based): chr2:178,769,839, C>A on the plus strand (G>T on the coding strand, the complement: TTN is on the minus strand). VCF-style: chr2-178769839-C-A. GRCh37 (hg19) VCF-style: chr2-179634566-C-A.
Other names: c.8742G>T, p.Trp2914Cys (NM_001256850.1, NM_133378.4, NM_133379.5); c.8604G>T, p.Trp2868Cys (NM_003319.4, NM_133432.3, NM_133437.4); short protein forms W2914C, W2868C.
Identifiers: ClinVar variation 515548 (VCV000515548.1), dbSNP rs1553994187, ClinGen allele CA349676699.

ClinVar aggregate classification (germline): Likely benign (1 of 4 stars; one submission).

Submission:

GeneDx
Classification: Likely benign. Last evaluated: 2018-02-15. Review status: criteria provided, single submitter. Criteria: GeneDx Variant Classification (06012015). Collection method: clinical testing. Allele origin: germline. Affected: yes.
Comment: This variant is considered likely benign or benign based on one or more of the following criteria: it is a conservative change, it occurs at a poorly conserved position in the protein, it is predicted to be benign by multiple in silico algorithms, and/or has population frequency not consistent with disease.